The following is an entry in ClinVar:

NM_133497.4(KCNV2):c.1208C>T (p.Thr403Met)

Gene: KCNV2 (potassium voltage-gated channel modifier subfamily V member 2; plus strand). Cytogenetic location: 9p24.2.
Variant type: single nucleotide variant.
Coding change: c.1208C>T on transcript NM_133497.4 (MANE Select); coding-DNA position 1208, C replaced by T.
Protein change: p.Thr403Met; replaces threonine 403 with methionine.
Molecular consequence: missense variant.
Genome position (GRCh38, 1-based): chr9:2,718,947, C>T. VCF-style: chr9-2718947-C-T. GRCh37 (hg19) VCF-style: chr9-2718947-C-T.
Other names: c.1208C>T (NM_133497.3); short protein forms T403M.
Identifiers: ClinVar variation 1044652 (VCV001044652.10), dbSNP rs745375996, ClinGen allele CA4965823.

ClinVar aggregate classification (germline): Uncertain significance. Review status: criteria provided, multiple submitters, no conflicts (2 of 4 stars). 3 submissions from 3 submitters: Uncertain significance (3). Last evaluated 2025-11-23.

Conditions:
Inborn genetic diseases. Identifiers: MedGen C0950123, MeSH D030342.

Allele frequency attached by ClinVar (database versions not stated): gnomAD 0.00002; TOPMed 0.00002; gnomAD exomes 0.00004; ExAC 0.00005.
gnomAD v4.1: 22 of 1,609,874 alleles (0.0014%); highest among the groups gnomAD compares: South Asian, 0.0055%; no homozygotes.

Submissions (3):

Ambry Genetics
Classification: Uncertain significance for Inborn genetic diseases. Last evaluated: 2025-11-23. Review status: criteria provided, single submitter. Criteria: Ambry Variant Classification Scheme 2023. Collection method: clinical testing. Allele origin: germline.

Blueprint Genetics
Classification: Uncertain significance. Last evaluated: 2024-05-16. Review status: criteria provided, single submitter. Criteria: ACMG Guidelines, 2015. Collection method: clinical testing. Allele origin: germline.

Labcorp Genetics (formerly Invitae), Labcorp
Classification: Uncertain significance. Last evaluated: 2022-03-19. Review status: criteria provided, single submitter. Criteria: Invitae Variant Classification Sherloc (09022015). Collection method: clinical testing. Allele origin: germline.
Comment: Advanced modeling of protein sequence and biophysical properties (such as structural, functional, and spatial information, amino acid conservation, physicochemical variation, residue mobility, and thermodynamic stability) performed at Invitae indicates that this missense variant is expected to disrupt KCNV2 protein function. In summary, the available evidence is currently insufficient to determine the role of this variant in disease. Therefore, it has been classified as a Variant of Uncertain Significance. ClinVar contains an entry for this variant (Variation ID: 1044652). This variant has not been reported in the literature in individuals affected with KCNV2-related conditions. This variant is present in population databases (rs745375996, gnomAD 0.01%). This sequence change replaces threonine, which is neutral and polar, with methionine, which is neutral and non-polar, at codon 403 of the KCNV2 protein (p.Thr403Met).